The following is an entry in ClinVar:

ClinVar aggregate classification (germline): Uncertain significance. Review status: criteria provided, multiple submitters, no conflicts (2 of 4 stars). 4 submissions from 4 submitters: Uncertain significance (4). Last evaluated 2026-01-13.

Conditions:
Hereditary cancer-predisposing syndrome. Also called: Neoplastic Syndromes, Hereditary; Hereditary neoplastic syndrome; Tumor predisposition; Hereditary Cancer Syndrome. Identifiers: Orphanet 140162, MedGen C0027672, MeSH D009386, MONDO:0015356.
Multiple endocrine neoplasia, type 1 (MEN1). Also called: MEA I; MEN I; WERMER SYNDROME; Endocrine adenomatosis multiple; MEN 1. Identifiers: Orphanet 652, MedGen C0025267, MeSH D018761, MONDO:0007540, OMIM 131100.
Familial isolated hyperparathyroidism. Identifiers: Orphanet 99879, MedGen C4551961, MONDO:0015027.

Submissions (4):

Ambry Genetics
Classification: Uncertain significance for Hereditary cancer-predisposing syndrome. Last evaluated: 2026-01-13. Review status: criteria provided, single submitter. Criteria: Ambry Variant Classification Scheme 2023. Collection method: clinical testing. Allele origin: germline.
Comment: The p.F447L variant (also known as c.1341T>G), located in coding exon 8 of the MEN1 gene, results from a T to G substitution at nucleotide position 1341. The phenylalanine at codon 447 is replaced by leucine, an amino acid with highly similar properties. This variant was reported in individual(s) with features consistent with Multiple endocrine neoplasia type 1 (Ambry internal data). Functional studies have demonstrated reduced stability and expression of the menin protein compared with wild-type (Shimazu S et al. Cancer Sci. 2011. Nov;102(11):2097-102). Based on internal structural analysis, this variant is expected to be structurally tolerated. This amino acid position is highly conserved in available vertebrate species. In addition, this alteration is predicted to be deleterious by in silico analysis. Based on the available evidence, the clinical significance of this variant remains unclear.

Labcorp Genetics (formerly Invitae), Labcorp
Classification: Uncertain significance for Multiple endocrine neoplasia, type 1. Last evaluated: 2021-05-11. Review status: criteria provided, single submitter. Criteria: Invitae Variant Classification Sherloc (09022015). Collection method: clinical testing. Allele origin: germline.
Comment: This sequence change replaces phenylalanine with leucine at codon 447 of the MEN1 protein (p.Phe447Leu). The phenylalanine residue is highly conserved and there is a small physicochemical difference between phenylalanine and leucine. This variant is not present in population databases (ExAC no frequency). This missense change has been observed in individual(s) with hyperparathyroidism (PMID: 17623761). ClinVar contains an entry for this variant (Variation ID: 585285). Advanced modeling of protein sequence and biophysical properties (such as structural, functional, and spatial information, amino acid conservation, physicochemical variation, residue mobility, and thermodynamic stability) performed at Invitae indicates that this missense variant is expected to disrupt MEN1 protein function. In summary, the available evidence is currently insufficient to determine the role of this variant in disease. Therefore, it has been classified as a Variant of Uncertain Significance.

GeneDx
Classification: Uncertain significance. Last evaluated: 2020-02-27. Review status: criteria provided, single submitter. Criteria: GeneDx Variant Classification Process June 2021. Collection method: clinical testing. Allele origin: germline. Affected: yes.
Comment: Not observed in large population cohorts (Lek 2016); In silico analysis supports that this missense variant has a deleterious effect on protein structure/function; Alternate change resulting in the same missense variant (c.1339T>C, p.Phe447Leu) was identified in an individual with familial isolated hyperparathyroidism and may result in reduced protein expression and stability (Tham 2007, Shimazu 2011); This variant is associated with the following publications: (PMID: 31737856, 17879353, 9215689, 17623761, 30869828, 21819486)

Center of Genomic medicine, Geneva, University Hospital of Geneva
Classification: Uncertain significance for Familial isolated hyperparathyroidism. Last evaluated: 2017-11-09. Review status: criteria provided, single submitter. Criteria: ACMG Guidelines, 2015. Collection method: clinical testing. Allele origin: germline. Affected: yes. Observed: 1 variant allele.

Literature cited by the submitters: PubMed 21819486 (cited by Ambry Genetics); PubMed 17623761 (cited by Labcorp Genetics (formerly Invitae), Labcorp).

NM_001370259.2(MEN1):c.1341T>G (p.Phe447Leu)

Gene: MEN1 (menin 1; minus strand). Cytogenetic location: 11q13.1.
Variant type: single nucleotide variant.
Coding change: c.1341T>G on transcript NM_001370259.2 (MANE Select); coding-DNA position 1341, T replaced by G.
Protein change: p.Phe447Leu; replaces phenylalanine 447 with leucine.
Molecular consequence: missense variant.
Genome position (GRCh38, 1-based): chr11:64,805,043, A>C on the plus strand (T>G on the coding strand, the complement: MEN1 is on the minus strand). VCF-style: chr11-64805043-A-C. GRCh37 (hg19) VCF-style: chr11-64572515-A-C.
Other names: c.1356T>G, p.Phe452Leu (NM_000244.4, NM_130800.3, NM_130801.3 and 3 more transcripts); c.1467T>G, p.Phe489Leu (NM_001370251.2); c.1341T>G, p.Phe447Leu (NM_001370260.2, NM_001370261.2, NM_130799.3); c.1236T>G, p.Phe412Leu (NM_001370262.2, NM_001370263.2); short protein forms F447L, F452L, F412L, F489L.
Identifiers: ClinVar variation 585285 (VCV000585285.13), dbSNP rs1325598637, ClinGen allele CA381180061.